The following is an entry in ClinVar:

ClinVar aggregate classification (germline): Uncertain significance. Review status: criteria provided, multiple submitters, no conflicts (2 of 4 stars). 3 submissions from 3 submitters: Uncertain significance (3). Last evaluated 2024-09-10.

Conditions:
KSR2-related disorder. Also called: KSR2-related condition.

Allele frequency attached by ClinVar (database versions not stated): TOPMed below 0.00001; gnomAD exomes 0.00001.
gnomAD v4.1: 3 of 1,607,960 alleles (0.00019%); highest among the groups gnomAD compares: Admixed American, 0.0051%; no homozygotes.

Submissions (3):

Ambry Genetics
Classification: Uncertain significance. Last evaluated: 2024-09-10. Review status: criteria provided, single submitter. Criteria: Ambry Variant Classification Scheme 2023. Collection method: clinical testing. Allele origin: germline.

Labcorp Genetics (formerly Invitae), Labcorp
Classification: Uncertain significance. Last evaluated: 2024-09-08. Review status: criteria provided, single submitter. Criteria: Invitae Variant Classification Sherloc (09022015). Collection method: clinical testing. Allele origin: germline.
Comment: This sequence change replaces leucine, which is neutral and non-polar, with proline, which is neutral and non-polar, at codon 517 of the KSR2 protein (p.Leu517Pro). This variant is present in population databases (no rsID available, gnomAD 0.009%). This variant has not been reported in the literature in individuals affected with KSR2-related conditions. ClinVar contains an entry for this variant (Variation ID: 2629209). An algorithm developed to predict the effect of missense changes on protein structure and function (PolyPhen-2) suggests that this variant is likely to be tolerated. In summary, the available evidence is currently insufficient to determine the role of this variant in disease. Therefore, it has been classified as a Variant of Uncertain Significance.

PreventionGenetics, part of Exact Sciences
Classification: Uncertain significance for KSR2-related condition. Last evaluated: 2023-07-27. Review status: criteria provided, single submitter. Criteria: ACMG Guidelines, 2015. Collection method: clinical testing. Allele origin: germline.
Comment: The KSR2 c.1550T>C variant is predicted to result in the amino acid substitution p.Leu517Pro. To our knowledge, this variant has not been reported in the literature. This variant is reported in 0.0090% of alleles in individuals of Latino descent in gnomAD. At this time, the clinical significance of this variant is uncertain due to the absence of conclusive functional and genetic evidence.

NM_173598.6(KSR2):c.1637T>C (p.Leu546Pro)

Gene: KSR2 (kinase suppressor of ras 2; minus strand). Cytogenetic location: 12q24.22.
Variant type: single nucleotide variant.
Coding change: c.1637T>C on transcript NM_173598.6 (MANE Select); coding-DNA position 1637, T replaced by C.
Protein change: p.Leu546Pro; replaces leucine 546 with proline.
Molecular consequence: missense variant.
Genome position (GRCh38, 1-based): chr12:117,539,769, A>G on the plus strand (T>C on the coding strand, the complement: KSR2 is on the minus strand). VCF-style: chr12-117539769-A-G. GRCh37 (hg19) VCF-style: chr12-117977574-A-G.
Other names: short protein forms L546P.
Identifiers: ClinVar variation 2629209 (VCV002629209.4), dbSNP rs1392740321, ClinGen allele CA386934998.
Genomic context (GRCh38, chr12:117,539,769, plus strand): 5'-ATGGAGGTACCTGGCAGGTTGAAGTTCTTCTGCTGCCGTGTGCACTGTGGGGAAGGGTGT[A>G]GGGGAGAAGGCGGCGTGGCACTAGGAGGGAGGGGGGGTGCTGGCGAGGAGGGCGTGGAGG-3'
Protein context (NP_775869.4, residues 536-556): LPPSATPPSP[Leu546Pro]HPSPQCTRQQ